The following is an entry in ClinVar:

NM_014806.5(RUSC2):c.4323C>T (p.Ser1441=)

Gene: RUSC2 (RUN and SH3 domain containing 2; plus strand). Cytogenetic location: 9p13.3.
Variant type: single nucleotide variant.
Coding change: c.4323C>T on transcript NM_014806.5 (MANE Select); coding-DNA position 4323, C replaced by T.
Protein change: p.Ser1441=; no amino-acid change (serine 1441 retained).
Molecular consequence: synonymous variant. On other transcripts: non-coding transcript variant (1).
Genome position (GRCh38, 1-based): chr9:35,561,071, C>T. VCF-style: chr9-35561071-C-T. GRCh37 (hg19) VCF-style: chr9-35561068-C-T.
Other names: c.4323C>T, p.Ser1441= (NM_001135999.2); c.1689C>T, p.Ser563= (NM_001330740.2).
Identifiers: ClinVar variation 3898401 (VCV003898401.7).
Genomic context (GRCh38, chr9:35,561,071, plus strand): 5'-GCAGACAGTGGGTTCCCGCCGGGAGCCAGAGCCCAAGGAGAGCCTGCAGGAGCCACACTC[C>T]CCAGCCCTGCCCTCCAGTCCTCCGTGGTAAGCCTGGGGAAACGGAAGGGCTGAGGGGGGC-3'
Protein context (NP_055621.2, residues 1431-1451): EPKESLQEPH[Ser1441=]PALPSSPPCE

ClinVar aggregate classification (germline): Likely benign (1 of 4 stars; one submission).

gnomAD v4.1: 4 of 1,614,130 alleles (0.00025%); highest among the groups gnomAD compares: Non-Finnish European, 0.00034%; no homozygotes.

Submission:

CeGaT Center for Human Genetics Tuebingen
Classification: Likely benign. Last evaluated: 2025-04-01. Review status: criteria provided, single submitter. Criteria: CeGaT Center For Human Genetics Tuebingen Variant Classification Criteria Version 2. Collection method: clinical testing. Allele origin: germline. Affected: yes. Observed: 1 variant allele.
Comment: RUSC2: BP4, BP7